The following is an entry in ClinVar:

NM_052867.4(NALCN):c.4403G>A (p.Arg1468His)

Gene: NALCN (sodium leak channel, non-selective; minus strand). Cytogenetic location: 13q32.3.
Variant type: single nucleotide variant.
Coding change: c.4403G>A on transcript NM_052867.4 (MANE Select); coding-DNA position 4403, G replaced by A.
Protein change: p.Arg1468His; replaces arginine 1468 with histidine.
Molecular consequence: missense variant.
Genome position (GRCh38, 1-based): chr13:101,067,961, C>T on the plus strand (G>A on the coding strand, the complement: NALCN is on the minus strand). VCF-style: chr13-101067961-C-T. GRCh37 (hg19) VCF-style: chr13-101720313-C-T.
Other names: c.4490G>A, p.Arg1497His (NM_001350748.2); c.4403G>A, p.Arg1468His (NM_001350749.2); c.4316G>A, p.Arg1439His (NM_001350750.2, NM_001350751.2); short protein forms R1439H, R1468H, R1497H.
Identifiers: ClinVar variation 2575528 (VCV002575528.1), dbSNP rs2501859563, ClinGen allele CA388646453.

ClinVar aggregate classification (germline): Uncertain significance (1 of 4 stars; one submission).

gnomAD v4.1: 5 of 1,613,076 alleles (0.00031%); highest among the groups gnomAD compares: South Asian, 0.0011%; no homozygotes.

Submission:

GeneDx
Classification: Uncertain significance. Last evaluated: 2023-02-14. Review status: criteria provided, single submitter. Criteria: GeneDx Variant Classification Process June 2021. Collection method: clinical testing. Allele origin: germline. Affected: yes.
Comment: Not observed at significant frequency in large population cohorts (gnomAD); In silico analysis supports that this missense variant has a deleterious effect on protein structure/function; Has not been previously published as pathogenic or benign to our knowledge